The following is an entry in ClinVar:

NM_012243.3(SLC35A3):c.21C>G (p.Tyr7Ter)

Gene: SLC35A3 (solute carrier family 35 member A3; plus strand). Cytogenetic location: 1p21.2.
Variant type: single nucleotide variant.
Coding change: c.21C>G on transcript NM_012243.3 (MANE Select); coding-DNA position 21, C replaced by G.
Protein change: p.Tyr7Ter; replaces tyrosine 7 with a stop codon.
Molecular consequence: nonsense.
Genome position (GRCh38, 1-based): chr1:99,993,575, C>G. VCF-style: chr1-99993575-C-G. GRCh37 (hg19) VCF-style: chr1-100459131-C-G.
Other names: c.21C>G, p.Tyr7Ter (NM_001271684.2); c.147C>G, p.Tyr49Ter (NM_001271685.2); c.21C>G (NM_012243.1, NM_012243.2); short protein forms Y49*, Y7*.
Identifiers: ClinVar variation 1433891 (VCV001433891.8), dbSNP rs775151826, ClinGen allele CA967505.

ClinVar aggregate classification (germline): Pathogenic/Likely pathogenic. Review status: criteria provided, multiple submitters, no conflicts (2 of 4 stars). 3 submissions from 3 submitters: Pathogenic (1); Likely pathogenic (2). Last evaluated 2025-03-03.

Conditions:
Autism spectrum disorder - epilepsy - arthrogryposis syndrome (AMRS). Identifiers: Orphanet 370943, MedGen C3809910, MONDO:0014248, OMIM 615553.
Inborn genetic diseases. Identifiers: MedGen C0950123, MeSH D030342.

gnomAD v4.1: 5 of 1,613,802 alleles (0.00031%); highest among the groups gnomAD compares: Admixed American, 0.0083%; no homozygotes.

Submissions (3):

Natera, Inc.
Classification: Likely pathogenic for Arthrogryposis, mental retardation, and seizures. Last evaluated: 2025-03-03. Review status: criteria provided, single submitter. Criteria: Natera Variant Classification Schema (03/2026). Collection method: clinical testing. Allele origin: germline.
Comment: The c.21C>G variant in SLC35A3 is a nonsense variant predicted to introduce a stop codon at amino acid 7. This variant is expected to result in nonsense mediated decay, truncation, or a dysfunctional protein product. This variant is rare in the general population with a frequency below the threshold expected for the associated phenotype(s). Given the available evidence, this variant is classified as Likely Pathogenic.

Labcorp Genetics (formerly Invitae), Labcorp
Classification: Pathogenic for Autism spectrum disorder - epilepsy - arthrogryposis syndrome. Last evaluated: 2023-01-09. Review status: criteria provided, single submitter. Criteria: Invitae Variant Classification Sherloc (09022015). Collection method: clinical testing. Allele origin: germline.
Comment: For these reasons, this variant has been classified as Pathogenic. ClinVar contains an entry for this variant (Variation ID: 1433891). This variant has not been reported in the literature in individuals affected with SLC35A3-related conditions. This variant is present in population databases (rs775151826, gnomAD 0.01%). This sequence change creates a premature translational stop signal (p.Tyr7*) in the SLC35A3 gene. It is expected to result in an absent or disrupted protein product. Loss-of-function variants in SLC35A3 are known to be pathogenic (PMID: 24031089, 28328131).

Ambry Genetics
Classification: Likely pathogenic for Inborn genetic diseases. Last evaluated: 2022-01-12. Review status: criteria provided, single submitter. Criteria: Ambry Variant Classification Scheme 2023. Collection method: clinical testing. Allele origin: germline.
Comment: The c.21C>G (p.Y7*) alteration, located in exon 2 (coding exon 1) of the SLC35A3 gene, consists of a C to G substitution at nucleotide position 21. This changes the amino acid from a tyrosine (Y) to a stop codon at amino acid position 7. The predicted stop codon occurs in the 5' end of the SLC35A3 gene. Premature termination codons in the 5&rsquo; end of a gene have been reported to escape nonsense-mediated mRNA decay and/or lead to re-initiation (Rivas, 2015; Lindeboom, 2016; Rhee, 2017). Direct evidence for this alteration is unavailable; however, premature termination codons are typically deleterious in nature. Based on data from gnomAD, the G allele has an overall frequency of <0.01% (5/251276) total alleles studied. The highest observed frequency was 0.01% (5/34564) of Latino alleles. Based on the available evidence, this alteration is classified as likely pathogenic.

Literature cited by the submitters: PubMed 24031089 (cited by Labcorp Genetics (formerly Invitae), Labcorp); PubMed 28328131 (cited by Labcorp Genetics (formerly Invitae), Labcorp); PubMed 25954003 (cited by Ambry Genetics); PubMed 27618451 (cited by Ambry Genetics); PubMed 28490743 (cited by Ambry Genetics).